The following is an entry in ClinVar:

NM_144670.6(A2ML1):c.2210G>A (p.Trp737Ter)

Gene: A2ML1 (alpha-2-macroglobulin like 1; plus strand). Cytogenetic location: 12p13.31.
Variant type: single nucleotide variant.
Coding change: c.2210G>A on transcript NM_144670.6 (MANE Select); coding-DNA position 2210, G replaced by A.
Protein change: p.Trp737Ter; replaces tryptophan 737 with a stop codon.
Molecular consequence: nonsense.
Genome position (GRCh38, 1-based): chr12:8,850,250, G>A. VCF-style: chr12-8850250-G-A. GRCh37 (hg19) VCF-style: chr12-9002846-G-A.
Other names: c.737G>A, p.Trp246Ter (NM_001282424.3); short protein forms W246*, W737*.
Identifiers: ClinVar variation 1014450 (VCV001014450.2), dbSNP rs1943843858, ClinGen allele CA383832363.
Genomic context (GRCh38, chr12:8,850,250, plus strand): 5'-CATCAACTCCTTTACATCAAGCAGAGGATTCTCAGGTCCGCCAGTACTTCCCAGAGACCT[G>A]GCTCTGGGATCTGTTTCCTATTGGGTAAGTGATGACTCAAAAGTACAGTAAAGGGCCAGG-3'

ClinVar aggregate classification (germline): Uncertain significance (1 of 4 stars; one submission).

Submission:

Labcorp Genetics (formerly Invitae), Labcorp
Classification: Uncertain significance. Last evaluated: 2020-06-08. Review status: criteria provided, single submitter. Criteria: Invitae Variant Classification Sherloc (09022015). Collection method: clinical testing. Allele origin: germline.
Comment: This sequence change creates a premature translational stop signal (p.Trp737*) in the A2ML1 gene. It is expected to result in an absent or disrupted protein product. This variant is not present in population databases (ExAC no frequency). This variant has not been reported in the literature in individuals with A2ML1-related conditions. The current clinical and genetic evidence is not sufficient to establish whether loss-of-function variants in A2ML1 cause disease. In summary, the available evidence is currently insufficient to determine the role of this variant in disease. Therefore, it has been classified as a Variant of Uncertain Significance.